The following is an entry in ClinVar:

NM_004006.3(DMD):c.80C>T (p.Ala27Val)

Gene: DMD (dystrophin; minus strand). Cytogenetic location: Xp21.1.
Variant type: single nucleotide variant.
Coding change: c.80C>T on transcript NM_004006.3 (MANE Select); coding-DNA position 80, C replaced by T.
Protein change: p.Ala27Val; replaces alanine 27 with valine.
Molecular consequence: missense variant. On other transcripts: 5 prime UTR variant (1).
Genome position (GRCh38, 1-based): chrX:33,020,152, G>A on the plus strand (C>T on the coding strand, the complement: DMD is on the minus strand). VCF-style: chrX-33020152-G-A. GRCh37 (hg19) VCF-style: chrX-33038269-G-A.
Other names: c.56C>T, p.Ala19Val (NM_000109.4); c.68C>T, p.Ala23Val (NM_004009.3); c.-290C>T (NM_004010.3); c.80C>T (NM_004006.2); short protein forms A19V, A23V, A27V.
Identifiers: ClinVar variation 1004607 (VCV001004607.9), dbSNP rs763407275, ClinGen allele CA10380272.

ClinVar aggregate classification (germline): Uncertain significance. Review status: criteria provided, multiple submitters, no conflicts (2 of 4 stars). 3 submissions from 3 submitters: Uncertain significance (2). 1 of the submissions does not count toward it. Last evaluated 2025-05-13.

Conditions:
Cardiovascular phenotype. Identifiers: MedGen CN230736.
Duchenne muscular dystrophy (DMD). Also called: MUSCULAR DYSTROPHY, PSEUDOHYPERTROPHIC PROGRESSIVE, DUCHENNE TYPE; Duchenne Muscular Dystrophy (DMD). Identifiers: Orphanet 98896, MedGen C0013264, MONDO:0010679, OMIM 310200.
Dystrophin deficiency.
Becker muscular dystrophy (BMD). Also called: MUSCULAR DYSTROPHY, PSEUDOHYPERTROPHIC PROGRESSIVE, BECKER TYPE; Becker Muscular Dystrophy (BMD). Identifiers: Orphanet 98895, MedGen C0917713, MONDO:0010311, OMIM 300376.
Cardiomyopathy (CMYO). Also called: Cardiomyopathies. Identifiers: Orphanet 167848, MedGen C0878544, MONDO:0004994, HP:0001638. Inheritance: Various modes of inheritance.

Allele frequency attached by ClinVar (database versions not stated): gnomAD exomes 0.00001; TOPMed 0.00001; ExAC 0.00002.

Submissions (3):

Labcorp Genetics (formerly Invitae), Labcorp
Classification: Uncertain significance for Duchenne muscular dystrophy. Last evaluated: 2025-05-13. Review status: criteria provided, single submitter. Criteria: Invitae Variant Classification Sherloc (09022015). Collection method: clinical testing. Allele origin: germline.
Comment: This sequence change replaces alanine, which is neutral and non-polar, with valine, which is neutral and non-polar, at codon 27 of the DMD protein (p.Ala27Val). The frequency data for this variant in the population databases is considered unreliable, as metrics indicate poor data quality at this position in the gnomAD database. This variant has not been reported in the literature in individuals affected with DMD-related conditions. ClinVar contains an entry for this variant (Variation ID: 1004607). Invitae Evidence Modeling of protein sequence and biophysical properties (such as structural, functional, and spatial information, amino acid conservation, physicochemical variation, residue mobility, and thermodynamic stability) indicates that this missense variant is not expected to disrupt DMD protein function with a negative predictive value of 95%. In summary, the available evidence is currently insufficient to determine the role of this variant in disease. Therefore, it has been classified as a Variant of Uncertain Significance.

Ambry Genetics
Classification: Uncertain significance for Cardiovascular phenotype. Last evaluated: 2022-09-28. Review status: criteria provided, single submitter. Criteria: Ambry Variant Classification Scheme 2023. Collection method: clinical testing. Allele origin: germline.
Comment: The p.A27V variant (also known as c.80C>T), located in coding exon 2 of the DMD gene, results from a C to T substitution at nucleotide position 80. The alanine at codon 27 is replaced by valine, an amino acid with similar properties. Based on data from gnomAD, the T allele has an overall frequency of 0.0016% (3/188911) total alleles studied, with no hemizygotes observed. The highest observed frequency was 0.0075% (2/26507) of Latino/Admixed American alleles. This amino acid position is well conserved in available vertebrate species. In addition, the in silico prediction for this alteration is inconclusive. Since supporting evidence is limited at this time, the clinical significance of this alteration remains unclear.

Natera, Inc.
Classification: Uncertain significance for Becker muscular dystrophy; Cardiomyopathy; Duchenne muscular dystrophy; Dystrophin deficiency. Last evaluated: 2018-07-21. Review status: no assertion criteria provided. Collection method: clinical testing. Allele origin: germline. Not counted in ClinVar's aggregate classification.

Literature cited by the submitters: PubMed 27898983 (cited by Ambry Genetics).